The following is an entry in ClinVar:

ClinVar aggregate classification (germline): Uncertain significance. Review status: criteria provided, multiple submitters, no conflicts (2 of 4 stars). 4 submissions from 4 submitters: Uncertain significance (3). 1 of the submissions does not count toward it. Last evaluated 2025-10-23.

Conditions:
Cone-rod dystrophy 6 (CORD6). Also called: Cone dystrophy progressive; RETINAL CONE DYSTROPHY 2. Identifiers: Orphanet 1872, MedGen C1866293, MONDO:0011143, OMIM 601777.
Leber congenital amaurosis 1 (LCA1). Also called: Congenital absence of the rods and cones; Leber's congenital tapetoretinal degeneration; Leber's congenital tapetoretinal dysplasia; AMAUROSIS CONGENITA OF LEBER I; RETINAL BLINDNESS, CONGENITAL. Identifiers: Orphanet 65, MedGen C2931258, MONDO:0008764, OMIM 204000.

gnomAD v4.1: 7 of 1,566,278 alleles (0.00045%); highest among the groups gnomAD compares: Non-Finnish European, 0.00043%; no homozygotes.

Submissions (4):

Labcorp Genetics (formerly Invitae), Labcorp
Classification: Uncertain significance for Leber congenital amaurosis 1; Cone-rod dystrophy 6. Last evaluated: 2025-10-23. Review status: criteria provided, single submitter. Criteria: Invitae Variant Classification Sherloc (09022015). Collection method: clinical testing. Allele origin: germline.
Comment: This sequence change replaces threonine, which is neutral and polar, with arginine, which is basic and polar, at codon 839 of the GUCY2D protein (p.Thr839Arg). This variant is present in population databases (rs61750174, gnomAD 0.004%). This missense change has been observed in individual(s) with inherited retinal dystrophy (PMID: 37734845; internal data). ClinVar contains an entry for this variant (Variation ID: 635421). Invitae Evidence Modeling of protein sequence and biophysical properties (such as structural, functional, and spatial information, amino acid conservation, physicochemical variation, residue mobility, and thermodynamic stability) indicates that this missense variant is expected to disrupt GUCY2D protein function with a positive predictive value of 80%. This variant disrupts the p.Thr839 amino acid residue in GUCY2D. Other variant(s) that disrupt this residue have been observed in individuals with GUCY2D-related conditions (internal data), which suggests that this may be a clinically significant amino acid residue. In summary, the available evidence is currently insufficient to determine the role of this variant in disease. Therefore, it has been classified as a Variant of Uncertain Significance.

Women's Health and Genetics/Laboratory Corporation of America, LabCorp
Classification: Uncertain significance. Last evaluated: 2024-05-31. Review status: criteria provided, single submitter. Criteria: LabCorp Variant Classification Summary - May 2015. Collection method: clinical testing. Allele origin: germline.
Comment: Variant summary: GUCY2D c.2516C>G (p.Thr839Arg) results in a non-conservative amino acid change located in the Haem NO binding associated (IPR011645) of the encoded protein sequence. Five of five in-silico tools predict a damaging effect of the variant on protein function. The variant allele was found at a frequency of 1.6e-05 in 251422 control chromosomes, predominantly at a frequency of 3.5e-05 within the Non-Finnish European subpopulation in the gnomAD database. The available data on variant occurrences in the general population are insufficient to allow any conclusion about variant significance. c.2516C>G has been reported in the literature as a single heterozygous variant in two individuals affected with macular dystrophy and Stargardt disease, respectively (Weisschuh_2024, Hitti-Malin_2024). These report(s) do not provide unequivocal conclusions about association of the variant with Leber Congenital Amaurosis. To our knowledge, no experimental evidence demonstrating an impact on protein function has been reported. The following publications have been ascertained in the context of this evaluation (PMID: 37734845, 38540785). ClinVar contains an entry for this variant (Variation ID: 635421). Based on the evidence outlined above, the variant was classified as uncertain significance.

Blueprint Genetics
Classification: Uncertain significance. Last evaluated: 2021-04-01. Review status: criteria provided, single submitter. Criteria: ACMG Guidelines, 2015. Collection method: clinical testing. Allele origin: germline.

Bioscientia Institut fuer Medizinische Diagnostik GmbH, Sonic Healthcare
Classification: Likely pathogenic for Cone-rod dystrophy 6. Last evaluated: 2018-09-24. Review status: no assertion criteria provided. Collection method: clinical testing. Allele origin: germline. Affected: yes. Not counted in ClinVar's aggregate classification.

Literature cited by the submitters: PubMed 37734845 (cited by Labcorp Genetics (formerly Invitae), Labcorp and Women's Health and Genetics/Laboratory Corporation of America, LabCorp); PubMed 38540785 (cited by Women's Health and Genetics/Laboratory Corporation of America, LabCorp).

NM_000180.4(GUCY2D):c.2516C>G (p.Thr839Arg)

Gene: GUCY2D (guanylate cyclase 2D, retinal; plus strand). Cytogenetic location: 17p13.1.
Variant type: single nucleotide variant.
Coding change: c.2516C>G on transcript NM_000180.4 (MANE Select); coding-DNA position 2516, C replaced by G.
Protein change: p.Thr839Arg; replaces threonine 839 with arginine.
Molecular consequence: missense variant.
Genome position (GRCh38, 1-based): chr17:8,014,704, C>G. VCF-style: chr17-8014704-C-G. GRCh37 (hg19) VCF-style: chr17-7918022-C-G.
Other names: short protein forms T839R.
Identifiers: ClinVar variation 635421 (VCV000635421.12), dbSNP rs61750174, ClinGen allele CA8366146.